The following is an entry in ClinVar:

NM_006648.4(WNK2):c.118C>A (p.Arg40Ser)

Gene: WNK2 (WNK lysine deficient protein kinase 2; plus strand). Cytogenetic location: 9q22.31.
Variant type: single nucleotide variant.
Coding change: c.118C>A on transcript NM_006648.4 (MANE Select); coding-DNA position 118, C replaced by A.
Protein change: p.Arg40Ser; replaces arginine 40 with serine.
Molecular consequence: missense variant.
Genome position (GRCh38, 1-based): chr9:93,185,047, C>A. VCF-style: chr9-93185047-C-A. GRCh37 (hg19) VCF-style: chr9-95947329-C-A.
Other names: c.118C>A, p.Arg40Ser (NM_001282394.3); short protein forms R40S.
Identifiers: ClinVar variation 5031955 (VCV005031955.1).

ClinVar aggregate classification (germline): Uncertain significance (1 of 4 stars; one submission).

gnomAD v4.1: 1 of 1,293,170 alleles (0.000077%); highest among the groups gnomAD compares: South Asian, 0.0022%; no homozygotes.

Submission:

Ambry Genetics
Classification: Uncertain significance. Last evaluated: 2026-08-28. Review status: criteria provided, single submitter. Criteria: Ambry Variant Classification Scheme 2023. Collection method: clinical testing. Allele origin: germline.
Comment: The p.R40S variant (also known as c.118C>A), located in coding exon 1 of the WNK2 gene, results from a C to A substitution at nucleotide position 118. The arginine at codon 40 is replaced by serine, an amino acid with dissimilar properties. This amino acid position is conserved. In addition, this alteration is predicted to be tolerated by in silico analysis. Based on the available evidence, the clinical significance of this variant remains unclear.